The following is an entry in ClinVar:

NM_001376.5(DYNC1H1):c.499G>A (p.Glu167Lys)

Gene: DYNC1H1 (dynein cytoplasmic 1 heavy chain 1; plus strand). Cytogenetic location: 14q32.31.
Variant type: single nucleotide variant.
Coding change: c.499G>A on transcript NM_001376.5 (MANE Select); coding-DNA position 499, G replaced by A.
Protein change: p.Glu167Lys; replaces glutamic acid 167 with lysine.
Molecular consequence: missense variant.
Genome position (GRCh38, 1-based): chr14:101,979,473, G>A. VCF-style: chr14-101979473-G-A. GRCh37 (hg19) VCF-style: chr14-102445810-G-A.
Other names: short protein forms E167K.
Identifiers: ClinVar variation 1463889 (VCV001463889.8), dbSNP rs1057031512, ClinGen allele CA266973057.
Genomic context (GRCh38, chr14:101,979,473, plus strand): 5'-GAAACTTTGCATTCTTTCATTAGCAATGCAGTGGCTCCTTTTTTTAAGTCCTACATTAGA[G>A]AGTCTGGCAAGGCAGACAGGTAAAAACTGTGGTTTGAATGTTATATTTCACTTAATGTTC-3'
Protein context (NP_001367.2, residues 157-177): VAPFFKSYIR[Glu167Lys]SGKADRDGDK

ClinVar aggregate classification (germline): Uncertain significance (1 of 4 stars; one submission).

Conditions:
Charcot-Marie-Tooth disease axonal type 2O. Also called: CHARCOT-MARIE-TOOTH NEUROPATHY, AXONAL, TYPE 2O; CHARCOT-MARIE-TOOTH DISEASE, AXONAL, AUTOSOMAL DOMINANT, TYPE 2O; Charcot-Marie-Tooth Neuropathy Type 2O; Charcot-Marie-Tooth disease, axonal, type 20. Identifiers: Orphanet 284232, MedGen C3280220, MONDO:0013644, OMIM 614228.

Allele frequency attached by ClinVar (database versions not stated): gnomAD exomes below 0.00001.
gnomAD v4.1: 1 of 1,614,072 alleles (0.000062%); highest among the groups gnomAD compares: Non-Finnish European, 0.000085%; no homozygotes.

Submission:

Labcorp Genetics (formerly Invitae), Labcorp
Classification: Uncertain significance for Charcot-Marie-Tooth disease axonal type 2O. Last evaluated: 2020-11-21. Review status: criteria provided, single submitter. Criteria: Invitae Variant Classification Sherloc (09022015). Collection method: clinical testing. Allele origin: germline.
Comment: Advanced modeling of protein sequence and biophysical properties (such as structural, functional, and spatial information, amino acid conservation, physicochemical variation, residue mobility, and thermodynamic stability) performed at Invitae indicates that this missense variant is not expected to disrupt DYNC1H1 protein function. In summary, the available evidence is currently insufficient to determine the role of this variant in disease. Therefore, it has been classified as a Variant of Uncertain Significance. This variant has not been reported in the literature in individuals with DYNC1H1-related conditions. This sequence change replaces glutamic acid with lysine at codon 167 of the DYNC1H1 protein (p.Glu167Lys). The glutamic acid residue is moderately conserved and there is a small physicochemical difference between glutamic acid and lysine. This variant is not present in population databases (ExAC no frequency).